The following is an entry in ClinVar:

NM_000059.4(BRCA2):c.10095_10096insT (p.Ser3366Ter)

Gene: BRCA2 (BRCA2 DNA repair associated; plus strand). Cytogenetic location: 13q13.1.
Variant type: Insertion.
Coding change: c.10095_10096insT on transcript NM_000059.4 (MANE Select); coding-DNA positions 10095 to 10096, T inserted.
Protein change: p.Ser3366Ter; replaces serine 3366 with a stop codon.
Molecular consequence: nonsense.
Genome position: GRCh38 VCF-style: chr13-32398608-C-CT. GRCh37 (hg19) VCF-style: chr13-32972745-C-CT.
Other names: short protein forms S3366*.
Identifiers: ClinVar variation 440455 (VCV000440455.29), dbSNP rs730881599, ClinGen allele CA6941473.

ClinVar aggregate classification (germline): Conflicting classifications of pathogenicity. Review status: criteria provided, conflicting classifications (1 of 4 stars). 10 submissions from 10 submitters: Uncertain significance (2); Likely benign (7). 1 of the submissions does not count toward it. Last evaluated 2026-01-05.

Conditions:
BRCA2-related disorder. Also called: BRCA2-related condition; BRCA2-related disorders. Identifiers: MedGen CN239275.
Hereditary cancer-predisposing syndrome. Also called: Hereditary Cancer Syndrome; Tumor predisposition; Hereditary neoplastic syndrome; Neoplastic Syndromes, Hereditary. Identifiers: Orphanet 140162, MedGen C0027672, MeSH D009386, MONDO:0015356.
Hereditary breast ovarian cancer syndrome. Also called: Hereditary breast and/or ovarian cancer syndrome; Breast and ovarian cancer; BRCA1- and BRCA2-Associated Hereditary Breast and Ovarian Cancer; Hereditary breast and ovarian cancer syndrome (HBOC); Hereditary breast and ovarian cancer syndrome; Hereditary breast and ovarian cancer. Identifiers: Orphanet 145, MedGen C0677776, MeSH D061325, MONDO:0003582. Disease mechanism: loss of function.
Breast-ovarian cancer, familial, susceptibility to, 2 (BROVCA2). Also called: BRCA2 Hereditary Breast and Ovarian Cancer. Identifiers: Orphanet 145, MedGen C2675520, MONDO:0012933, OMIM 612555. Disease mechanism: loss of function.

Allele frequency attached by ClinVar (database versions not stated): gnomAD exomes 0.00021 and 0.00031; gnomAD 0.00030 and 0.00033; ExAC 0.00035.

Submissions (10):

Labcorp Genetics (formerly Invitae), Labcorp
Classification: Likely benign for Hereditary breast ovarian cancer syndrome. Last evaluated: 2026-01-05. Review status: criteria provided, single submitter. Criteria: Invitae Variant Classification Sherloc (09022015). Collection method: clinical testing. Allele origin: germline.

PreventionGenetics, part of Exact Sciences
Classification: Likely benign for BRCA2-related condition. Last evaluated: 2025-07-23. Review status: criteria provided, single submitter. Criteria: ACMG Guidelines, 2015. Collection method: clinical testing. Allele origin: germline.
Comment: This variant is classified as likely benign based on ACMG/AMP sequence variant interpretation guidelines (Richards et al. 2015 PMID: 25741868, with internal and published modifications).

Laboratory of Genetics, Children's Clinical University Hospital Latvia
Classification: Likely benign. Last evaluated: 2025-02-16. Review status: criteria provided, single submitter. Criteria: ACMG Guidelines, 2015. Collection method: clinical testing. Allele origin: germline. Affected: yes.

Blueprint Genetics
Classification: Likely benign. Last evaluated: 2024-11-26. Review status: criteria provided, single submitter. Criteria: ACMG Guidelines, 2015. Collection method: clinical testing. Allele origin: germline.

Sema4
Classification: Likely benign for Hereditary cancer-predisposing syndrome. Last evaluated: 2021-02-17. Review status: criteria provided, single submitter. Criteria: Sema4 Curation Guidelines. Collection method: curation. Allele origin: germline.

Ambry Genetics
Classification: Likely benign for Hereditary cancer-predisposing syndrome. Last evaluated: 2020-12-03. Review status: criteria provided, single submitter. Criteria: Ambry Variant Classification Scheme 2023. Collection method: clinical testing. Allele origin: germline.

Centre for Mendelian Genomics, University Medical Centre Ljubljana
Classification: Uncertain significance for Breast-ovarian cancer, familial, susceptibility to, 2. Last evaluated: 2020-02-10. Review status: criteria provided, single submitter. Criteria: ACMG Guidelines, 2015. Collection method: clinical testing. Allele origin: unknown. Affected: yes.
Comment: This variant was classified as: Uncertain significance. The available evidence on this variant's pathogenicity is insufficient or conflicting. The following ACMG criteria were applied in classifying this variant: PVS1.

Laboratory for Molecular Medicine, Mass General Brigham Personalized Medicine
Classification: Uncertain significance. Last evaluated: 2019-05-08. Review status: criteria provided, single submitter. Criteria: ACMG Guidelines, 2015. Collection method: clinical testing. Allele origin: germline.
Comment: The p.Ser3366X variant in BRCA2 has not been previously reported in individuals with cancer, but has been identified in 40/66644 European chromosomes by the Exome Aggregation Consortium (ExAC). This nonsense variant leads to a premature termination codon at position 3366. This termination codon occurs within the last exon and is more likely to escape nonsense mediated decay (NMD) and result in a truncated protein. It is unclear if this will impact the protein function. In summary, the clinical significance of the p.Ser3366X variant is uncertain.

Color Diagnostics, LLC DBA Color Health
Classification: Likely benign for Hereditary cancer-predisposing syndrome. Last evaluated: 2017-02-22. Review status: criteria provided, single submitter. Criteria: ACMG Guidelines, 2015. Collection method: clinical testing. Allele origin: germline.

Institute for Biomarker Research, Medical Diagnostic Laboratories, L.L.C.
Classification: Uncertain significance for Hereditary breast ovarian cancer syndrome. Last evaluated: 2021-12-21. Review status: no assertion criteria provided. Collection method: clinical testing. Allele origin: germline. Not counted in ClinVar's aggregate classification.